The following is an entry in ClinVar:

NM_173660.5(DOK7):c.773-2A>T

Gene: DOK7 (docking protein 7; plus strand). Cytogenetic location: 4p16.3.
Variant type: single nucleotide variant.
Coding change: c.773-2A>T on transcript NM_173660.5 (MANE Select); the canonical splice acceptor site of the intron before coding-DNA position 773, A replaced by T.
Molecular consequence: splice acceptor variant.
Genome position (GRCh38, 1-based): chr4:3,492,757, A>T. VCF-style: chr4-3492757-A-T. GRCh37 (hg19) VCF-style: chr4-3494484-A-T.
Other names: c.773-2A>T (NM_001301071.2); c.341-2A>T (NM_001363811.2); c.762-2A>T (NM_001164673.2); c.-158-2A>T (NM_001256896.2).
Identifiers: ClinVar variation 1391458 (VCV001391458.6), dbSNP rs1229979805, ClinGen allele CA356115881.
Genomic context (GRCh38, chr4:3,492,757, plus strand): 5'-AGCCACGTCCTGCCCAGACCCCTGTACCCCCACAACTGCCTTGGCTTCCTGCTCTGTCTC[A>T]GGGGATGACCGCAGCCTGTCCAGCTCATCCTCAGAGGCCAGTCACTTGGACGTCAGCGCC-3'

ClinVar aggregate classification (germline): Likely pathogenic (1 of 4 stars; one submission).

Conditions:
Fetal akinesia deformation sequence 1 (FADS1). Also called: Pena-Shokeir syndrome type I; Fetal akinesia sequence. Identifiers: Orphanet 994, MedGen C1276035, MONDO:0100101, OMIM 208150, HP:0001989.
Congenital myasthenic syndrome 10. Also called: Myasthenia, limb-girdle, familial. Identifiers: Orphanet 590, MedGen C1850792, MONDO:0009690, OMIM 254300.

Submission:

Labcorp Genetics (formerly Invitae), Labcorp
Classification: Likely pathogenic for Congenital myasthenic syndrome 10; Fetal akinesia deformation sequence 1. Last evaluated: 2025-01-15. Review status: criteria provided, single submitter. Criteria: Invitae Variant Classification Sherloc (09022015). Collection method: clinical testing. Allele origin: germline.
Comment: This sequence change affects an acceptor splice site in intron 6 of the DOK7 gene. While this variant is not anticipated to result in nonsense mediated decay, it likely alters RNA splicing and results in a disrupted protein product. This variant is not present in population databases (gnomAD no frequency). Disruption of this splice site has been observed in individuals with congenital myasthenic syndrome (PMID: 20012313, 36099689; internal data). ClinVar contains an entry for this variant (Variation ID: 1391458). Variants that disrupt the consensus splice site are a relatively common cause of aberrant splicing (PMID: 17576681, 9536098). Algorithms developed to predict the effect of sequence changes on RNA splicing suggest that this variant may disrupt the consensus splice site. In summary, the currently available evidence indicates that the variant is pathogenic, but additional data are needed to prove that conclusively. Therefore, this variant has been classified as Likely Pathogenic.

Literature cited by the submitters: PubMed 20012313; PubMed 36099689; PubMed 17576681; PubMed 9536098.